The following is an entry in ClinVar:

ClinVar aggregate classification (germline): Uncertain significance. Review status: criteria provided, multiple submitters, no conflicts (2 of 4 stars). 4 submissions from 4 submitters: Uncertain significance (4). Last evaluated 2026-05-11.

Conditions:
Cardiovascular phenotype. Identifiers: MedGen CN230736.
Brugada syndrome. Also called: Sudden unexpected nocturnal death syndrome; Sudden unexplained nocturnal death syndrome; Sudden Unexplained Death Syndrome; Sudden Unexplained Nocturnal Death Syndrome (SUNDS). Identifiers: Orphanet 130, MedGen C1142166, MONDO:0015263.

Allele frequency attached by ClinVar (database versions not stated): TOPMed below 0.00001; ExAC 0.00001.
gnomAD v4.1: 8 of 1,592,576 alleles (0.0005%); highest among the groups gnomAD compares: Non-Finnish European, 0.0006%; no homozygotes.

Submissions (4):

Ambry Genetics
Classification: Uncertain significance for Cardiovascular phenotype. Last evaluated: 2026-05-11. Review status: criteria provided, single submitter. Criteria: Ambry Variant Classification Scheme 2023. Collection method: clinical testing. Allele origin: germline.

Women's Health and Genetics/Laboratory Corporation of America, LabCorp
Classification: Uncertain significance. Last evaluated: 2025-05-12. Review status: criteria provided, single submitter. Criteria: LabCorp Variant Classification Summary - May 2015. Collection method: clinical testing. Allele origin: germline.
Comment: Variant summary: SCN10A c.2622G>C (p.Met874Ile) results in a conservative amino acid change in the encoded protein sequence. Algorithms developed to predict the effect of missense changes on protein structure and function are either unavailable or do not agree on the potential impact of this missense change. The variant allele was found at a frequency of 4.2e-06 in 238028 control chromosomes (gnomAD). The available data on variant occurrences in the general population are insufficient to allow any conclusion about variant significance. To our knowledge, no occurrence of c.2622G>C in individuals affected with Episodic pain syndrome, familial, 2 and no experimental evidence demonstrating its impact on protein function have been reported. ClinVar contains an entry for this variant (Variation ID: 2563709). Based on the evidence outlined above, the variant was classified as uncertain significance.

Labcorp Genetics (formerly Invitae), Labcorp
Classification: Uncertain significance for Brugada syndrome. Last evaluated: 2025-04-02. Review status: criteria provided, single submitter. Criteria: Invitae Variant Classification Sherloc (09022015). Collection method: clinical testing. Allele origin: germline.
Comment: This sequence change replaces methionine, which is neutral and non-polar, with isoleucine, which is neutral and non-polar, at codon 874 of the SCN10A protein (p.Met874Ile). This variant is present in population databases (rs761102708, gnomAD 0.001%). This variant has not been reported in the literature in individuals affected with SCN10A-related conditions. ClinVar contains an entry for this variant (Variation ID: 2563709). Invitae Evidence Modeling of protein sequence and biophysical properties (such as structural, functional, and spatial information, amino acid conservation, physicochemical variation, residue mobility, and thermodynamic stability) indicates that this missense variant is expected to disrupt SCN10A protein function with a positive predictive value of 80%. In summary, the available evidence is currently insufficient to determine the role of this variant in disease. Therefore, it has been classified as a Variant of Uncertain Significance.

GeneDx
Classification: Uncertain significance. Last evaluated: 2023-06-20. Review status: criteria provided, single submitter. Criteria: GeneDx Variant Classification Process June 2021. Collection method: clinical testing. Allele origin: germline. Affected: yes.
Comment: Not observed at significant frequency in large population cohorts (gnomAD); In silico analysis supports that this missense variant has a deleterious effect on protein structure/function; Has not been previously published as pathogenic or benign to our knowledge

NM_006514.4(SCN10A):c.2622G>C (p.Met874Ile)

Gene: SCN10A (sodium voltage-gated channel alpha subunit 10; minus strand). Cytogenetic location: 3p22.2.
Variant type: single nucleotide variant.
Coding change: c.2622G>C on transcript NM_006514.4 (MANE Select); coding-DNA position 2622, G replaced by C.
Protein change: p.Met874Ile; replaces methionine 874 with isoleucine.
Molecular consequence: missense variant.
Genome position (GRCh38, 1-based): chr3:38,728,560, C>G on the plus strand (G>C on the coding strand, the complement: SCN10A is on the minus strand). VCF-style: chr3-38728560-C-G. GRCh37 (hg19) VCF-style: chr3-38770051-C-G.
Other names: c.2622G>C, p.Met874Ile (NM_001293306.2); c.2328G>C, p.Met776Ile (NM_001293307.2); short protein forms M776I, M874I.
Identifiers: ClinVar variation 2563709 (VCV002563709.6), dbSNP rs761102708, ClinGen allele CA2320500.
Genomic context (GRCh38, chr3:38,728,560, plus strand): 5'-TTTCCCCAGGAGACAGTGCCCCCAGCAGGGTTCACCACTCACCACCAGGTTCCCTAGCAC[C>G]ATCACCGTCAAGAAAAGGATGAGGCATATGGATTTTTGGCCAACTTCCATGCAGGCCCAC-3'
Protein context (NP_006505.4, residues 864-884): SICLILFLTV[Met874Ile]VLGNLVVLNL